The following is an entry in ClinVar:

NM_001270508.2(TNFAIP3):c.1533C>A (p.Asp511Glu)

Gene: TNFAIP3 (TNF alpha induced protein 3; plus strand). Cytogenetic location: 6q23.3.
Variant type: single nucleotide variant.
Coding change: c.1533C>A on transcript NM_001270508.2 (MANE Select); coding-DNA position 1533, C replaced by A.
Protein change: p.Asp511Glu; replaces aspartic acid 511 with glutamic acid.
Molecular consequence: missense variant.
Genome position (GRCh38, 1-based): chr6:137,878,978, C>A. VCF-style: chr6-137878978-C-A. GRCh37 (hg19) VCF-style: chr6-138200115-C-A.
Other names: c.1533C>A, p.Asp511Glu (NM_006290.4, NM_001270507.2); short protein forms D511E.
Identifiers: ClinVar variation 3625387 (VCV003625387.2).

ClinVar aggregate classification (germline): Uncertain significance (1 of 4 stars; one submission).

gnomAD v4.1: 1 of 1,614,124 alleles (0.000062%); highest among the groups gnomAD compares: Admixed American, 0.0017%; no homozygotes.

Submission:

Labcorp Genetics (formerly Invitae), Labcorp
Classification: Uncertain significance. Last evaluated: 2024-04-05. Review status: criteria provided, single submitter. Criteria: Invitae Variant Classification Sherloc (09022015). Collection method: clinical testing. Allele origin: germline.
Comment: This sequence change replaces aspartic acid, which is acidic and polar, with glutamic acid, which is acidic and polar, at codon 511 of the TNFAIP3 protein (p.Asp511Glu). This variant is present in population databases (rs772635182, gnomAD 0.0009%). This variant has not been reported in the literature in individuals affected with TNFAIP3-related conditions. Advanced modeling of protein sequence and biophysical properties (such as structural, functional, and spatial information, amino acid conservation, physicochemical variation, residue mobility, and thermodynamic stability) performed at Invitae indicates that this missense variant is not expected to disrupt TNFAIP3 protein function with a negative predictive value of 80%. In summary, the available evidence is currently insufficient to determine the role of this variant in disease. Therefore, it has been classified as a Variant of Uncertain Significance.